The following is an entry in ClinVar:

ClinVar aggregate classification (germline): Uncertain significance (1 of 4 stars; one submission).

Allele frequency attached by ClinVar (database versions not stated): gnomAD exomes below 0.00001.
gnomAD v4.1: 1 of 1,613,996 alleles (0.000062%); highest among the groups gnomAD compares: Admixed American, 0.0017%; no homozygotes.

Submission:

GeneDx
Classification: Uncertain significance. Last evaluated: 2026-01-12. Review status: criteria provided, single submitter. Criteria: GeneDx Variant Classification Process June 2021. Collection method: clinical testing. Allele origin: germline.
Comment: Not observed at significant frequency in large population cohorts (gnomAD); In silico analysis suggests that this missense variant does not alter protein structure/function; Has not been previously published as pathogenic or benign to our knowledge

NM_001080517.3(SETD5):c.1256A>C (p.Asn419Thr)

Gene: SETD5 (SET domain containing 5; plus strand). Cytogenetic location: 3p25.3.
Variant type: single nucleotide variant.
Coding change: c.1256A>C on transcript NM_001080517.3 (MANE Select); coding-DNA position 1256, A replaced by C.
Protein change: p.Asn419Thr; replaces asparagine 419 with threonine.
Molecular consequence: missense variant.
Genome position (GRCh38, 1-based): chr3:9,445,116, A>C. VCF-style: chr3-9445116-A-C. GRCh37 (hg19) VCF-style: chr3-9486800-A-C.
Other names: c.962A>C, p.Asn321Thr (NM_001292043.2, NM_001349451.2); short protein forms N321T, N419T.
Identifiers: ClinVar variation 1699621 (VCV001699621.3), dbSNP rs1224637892, ClinGen allele CA351692297.